The following is an entry in ClinVar:

ClinVar aggregate classification (germline): Pathogenic. Review status: criteria provided, single submitter (1 of 4 stars). 3 submissions from 3 submitters: Pathogenic (1). 2 of the submissions do not count toward it. Last evaluated 2022-06-16.

Conditions:
Inborn genetic diseases. Identifiers: MedGen C0950123, MeSH D030342.

Submissions (3):

Ambry Genetics
Classification: Pathogenic for Inborn genetic diseases. Last evaluated: 2022-06-16. Review status: criteria provided, single submitter. Criteria: Ambry Variant Classification Scheme 2023. Collection method: clinical testing. Allele origin: germline.
Comment: The c.335delC (p.P112Rfs*8) alteration, located in exon 5 (coding exon 5) of the B3GLCT gene, consists of a deletion of one nucleotide at position 335, causing a translational frameshift with a predicted alternate stop codon after 8 amino acids. This alteration is expected to result in loss of function by premature protein truncation or nonsense-mediated mRNA decay. This variant was not reported in population-based cohorts in the Genome Aggregation Database (gnomAD). Based on the available evidence, this alteration is classified as pathogenic.

Clinical Genetics DNA and cytogenetics Diagnostics Lab, Erasmus MC, Erasmus Medical Center
Classification: Pathogenic. Review status: no assertion criteria provided. Collection method: clinical testing. Allele origin: germline. Affected: yes. Study: VKGL Data-share Consensus. Not counted in ClinVar's aggregate classification.

Genome Diagnostics Laboratory, Amsterdam University Medical Center
Classification: Pathogenic. Review status: no assertion criteria provided. Collection method: clinical testing. Allele origin: germline. Affected: yes. Study: VKGL Data-share Consensus. Not counted in ClinVar's aggregate classification.

NM_194318.4(B3GLCT):c.335del (p.Pro112fs)

Gene: B3GLCT (beta 3-glucosyltransferase; plus strand). Cytogenetic location: 13q12.3.
Variant type: Deletion.
Coding change: c.335del on transcript NM_194318.4 (MANE Select); coding-DNA position 335, one base deleted (C; older notation c.335delC).
Protein change: p.Pro112fs; shifts the reading frame from proline 112.
Molecular consequence: frameshift variant.
Genome position (GRCh38, 1-based): chr13:31,247,087, C deleted; the last of 2 consecutive C bases (chr13:31,247,086-31,247,087); deleting either gives the same sequence. VCF-style (leftmost placement, unchanged base first): chr13-31247085-TC-T. GRCh37 (hg19) VCF-style: chr13-31821222-TC-T.
Other names: c.335delC (NM_194318.3); short protein forms P112fs.
Identifiers: ClinVar variation 1210066 (VCV001210066.5), dbSNP rs2137805318, ClinGen allele CA2499221993.